The following is an entry in ClinVar:

Conditions:
Breast-ovarian cancer, familial, susceptibility to, 1 (BROVCA1). Also called: BRCA1 Hereditary Breast and Ovarian Cancer; OVARIAN CANCER, SUSCEPTIBILITY TO. Identifiers: Orphanet 145, MedGen C2676676, MONDO:0011450, OMIM 604370. Disease mechanism: loss of function.

Submission:

Brotman Baty Institute, University of Washington
No classification provided (evidence only). Condition: Breast-ovarian cancer, familial 1. Review status: no classification provided. Collection method: in vitro. Allele origin: not applicable. Functional consequence: functionally_normal.
ClinVar note: "not provided" was previously submitted as the classification for the variant. However, the classification appeared to be based only on an observation of functional data so it was converted to no classification on 2025-07-30.

NM_007294.4(BRCA1):c.5406+12G>C

Gene: BRCA1 (BRCA1 DNA repair associated; minus strand). Cytogenetic location: 17q21.31.
Variant type: single nucleotide variant.
Coding change: c.5406+12G>C on transcript NM_007294.4 (MANE Select); 12 bases into the intron after coding-DNA position 5406, G replaced by C.
Molecular consequence: intron variant.
Genome position (GRCh38, 1-based): chr17:43,049,109, C>G on the plus strand (G>C on the coding strand, the complement: BRCA1 is on the minus strand). VCF-style: chr17-43049109-C-G. GRCh37 (hg19) VCF-style: chr17-41201126-C-G.
Other names: c.5346+12G>C (NM_001407649.1); c.2091+12G>C (NM_001408401.1, NM_001408396.1, NM_001408404.1 and 7 more transcripts); c.2094+12G>C (NM_001407985.1, NM_001407990.1, NM_001407991.1 and 10 more transcripts); c.5397+12G>C (NM_001407644.1, NM_001407645.1); c.5400+12G>C (NM_001407627.1, NM_001407635.1, NM_001407640.1 and 13 more transcripts); c.5327-1406G>C (NM_001407861.1); c.5403+12G>C (NM_001407614.1, NM_001407626.1, NM_001407617.1 and 14 more transcripts); c.5469+12G>C (NM_001407587.1, NM_001407585.1, NM_007300.4 and 1 more transcripts); and 84 more.
Identifiers: ClinVar variation 868441 (VCV000868441.3), dbSNP rs1555575069, ClinGen allele CA916080826.